The following is an entry in ClinVar:

ClinVar aggregate classification (germline): Uncertain significance (1 of 4 stars; one submission).

Submission:

GeneDx
Classification: Uncertain significance. Last evaluated: 2024-02-25. Review status: criteria provided, single submitter. Criteria: GeneDx Variant Classification Process June 2021. Collection method: clinical testing. Allele origin: germline. Affected: yes.
Comment: Not observed at significant frequency in large population cohorts (gnomAD); In silico analysis supports that this missense variant does not alter protein structure/function; Has not been previously published as pathogenic or benign to our knowledge

NM_013275.6(ANKRD11):c.4571G>T (p.Arg1524Met)

Gene: ANKRD11 (ankyrin repeat domain containing 11; minus strand). Cytogenetic location: 16q24.3.
Variant type: single nucleotide variant.
Coding change: c.4571G>T on transcript NM_013275.6 (MANE Select); coding-DNA position 4571, G replaced by T.
Protein change: p.Arg1524Met; replaces arginine 1524 with methionine.
Molecular consequence: missense variant.
Genome position (GRCh38, 1-based): chr16:89,281,971, C>A on the plus strand (G>T on the coding strand, the complement: ANKRD11 is on the minus strand). VCF-style: chr16-89281971-C-A. GRCh37 (hg19) VCF-style: chr16-89348379-C-A.
Other names: c.4571G>T, p.Arg1524Met (NM_001256182.2, NM_001256183.2); short protein forms R1524M.
Identifiers: ClinVar variation 3369676 (VCV003369676.1).